The following is an entry in ClinVar:

ClinVar aggregate classification (germline): Benign (0 of 4 stars; one submission).

Conditions:
CACNA1I-related disorder. Also called: CACNA1I-related condition.

Allele frequency attached by ClinVar (database versions not stated): ExAC 0.01490; ESP Exome Variant Server 0.03330; 1000 Genomes Project 0.03734; 1000 Genomes Project 30x 0.03935.
gnomAD v4.1: 9,582 of 1,608,158 alleles (0.6%); highest among the groups gnomAD compares: African/African-American, 11%; 494 homozygotes.

Submission:

PreventionGenetics, part of Exact Sciences
Classification: Benign for CACNA1I-related condition. Last evaluated: 2020-01-20. Review status: no assertion criteria provided. Collection method: clinical testing. Allele origin: germline.
Comment: This variant is classified as benign based on ACMG/AMP sequence variant interpretation guidelines (Richards et al. 2015 PMID: 25741868, with internal and published modifications).

NM_021096.4(CACNA1I):c.20C>T (p.Pro7Leu)

Gene: CACNA1I (calcium voltage-gated channel subunit alpha1 I; plus strand). Cytogenetic location: 22q13.1.
Variant type: single nucleotide variant.
Coding change: c.20C>T on transcript NM_021096.4 (MANE Select); coding-DNA position 20, C replaced by T.
Protein change: p.Pro7Leu; replaces proline 7 with leucine.
Molecular consequence: missense variant.
Genome position (GRCh38, 1-based): chr22:39,570,772, C>T. VCF-style: chr22-39570772-C-T. GRCh37 (hg19) VCF-style: chr22-39966777-C-T.
Other names: c.20C>T, p.Pro7Leu (NM_001003406.2); short protein forms P7L.
Identifiers: ClinVar variation 3055495 (VCV003055495.2), dbSNP rs60192012, ClinGen allele CA10243459.